The following is an entry in ClinVar:

ClinVar aggregate classification (germline): Uncertain significance (1 of 4 stars; one submission).

Conditions:
Bowen-Conradi syndrome (BWCNS). Also called: BOWEN HUTTERITE SYNDROME. Identifiers: Orphanet 1270, MedGen C1859405, MONDO:0008879, OMIM 211180.

gnomAD v4.1: 7 of 1,613,844 alleles (0.00043%); highest among the groups gnomAD compares: East Asian, 0.013%; no homozygotes.

Submission:

Juno Genomics, Hangzhou Juno Genomics, Inc
Classification: Uncertain significance for Bowen-Conradi syndrome. Review status: criteria provided, single submitter. Criteria: ACMG Guidelines, 2015. Collection method: clinical testing. Allele origin: germline.
Comment: Absent from controls (or at extremely low frequency if recessive) in Genome Aggregation Database.

NM_006331.8(EMG1):c.214A>G (p.Ile72Val)

Gene: EMG1 (EMG1 N1-specific pseudouridine methyltransferase; plus strand). Cytogenetic location: 12p13.31.
Variant type: single nucleotide variant.
Coding change: c.214A>G on transcript NM_006331.8 (MANE Select); coding-DNA position 214, A replaced by G.
Protein change: p.Ile72Val; replaces isoleucine 72 with valine.
Molecular consequence: missense variant. On other transcripts: non-coding transcript variant (1).
Genome position (GRCh38, 1-based): chr12:6,974,384, A>G. VCF-style: chr12-6974384-A-G. GRCh37 (hg19) VCF-style: chr12-7083546-A-G.
Other names: c.214A>G, p.Ile72Val (NM_001320049.2); short protein forms I72V.
Identifiers: ClinVar variation 5005157 (VCV005005157.2).